The following is an entry in ClinVar:

ClinVar aggregate classification (germline): Uncertain significance (1 of 4 stars; one submission).

Conditions:
Facioscapulohumeral muscular dystrophy 2 (FSHD2). Also called: FACIOSCAPULOHUMERAL MUSCULAR DYSTROPHY 2, DIGENIC; FSHD2, DIGENIC; MUSCULAR DYSTROPHY, FACIOSCAPULOHUMERAL, TYPE 1B. Identifiers: Orphanet 269, MedGen C1834671, MONDO:0008031, OMIM 158901.

Allele frequency attached by ClinVar (database versions not stated): TOPMed 0.00001.
gnomAD v4.1: 6 of 1,610,854 alleles (0.00037%); highest among the groups gnomAD compares: Admixed American, 0.01%; no homozygotes.

Submission:

Labcorp Genetics (formerly Invitae), Labcorp
Classification: Uncertain significance for Facioscapulohumeral muscular dystrophy 2. Last evaluated: 2025-06-15. Review status: criteria provided, single submitter. Criteria: Invitae Variant Classification Sherloc (09022015). Collection method: clinical testing. Allele origin: germline.
Comment: This sequence change replaces arginine, which is basic and polar, with glycine, which is neutral and non-polar, at codon 1370 of the SMCHD1 protein (p.Arg1370Gly). This variant is not present in population databases (gnomAD no frequency). This variant has not been reported in the literature in individuals affected with SMCHD1-related conditions. ClinVar contains an entry for this variant (Variation ID: 532806). Invitae Evidence Modeling of protein sequence and biophysical properties (such as structural, functional, and spatial information, amino acid conservation, physicochemical variation, residue mobility, and thermodynamic stability) indicates that this missense variant is not expected to disrupt SMCHD1 protein function with a negative predictive value of 80%. In summary, the available evidence is currently insufficient to determine the role of this variant in disease. Therefore, it has been classified as a Variant of Uncertain Significance.

NM_015295.3(SMCHD1):c.4108C>G (p.Arg1370Gly)

Gene: SMCHD1 (structural maintenance of chromosomes flexible hinge domain containing 1; plus strand). Cytogenetic location: 18p11.32.
Variant type: single nucleotide variant.
Coding change: c.4108C>G on transcript NM_015295.3 (MANE Select); coding-DNA position 4108, C replaced by G.
Protein change: p.Arg1370Gly; replaces arginine 1370 with glycine.
Molecular consequence: missense variant.
Genome position (GRCh38, 1-based): chr18:2,750,450, C>G. VCF-style: chr18-2750450-C-G. GRCh37 (hg19) VCF-style: chr18-2750448-C-G.
Other names: short protein forms R1370G.
Identifiers: ClinVar variation 532806 (VCV000532806.10), dbSNP rs942559171, ClinGen allele CA401692162.